The following is an entry in ClinVar:

ClinVar aggregate classification (germline): Uncertain significance (1 of 4 stars; one submission).

Conditions:
Hereditary cancer-predisposing syndrome. Also called: Tumor predisposition; Neoplastic Syndromes, Hereditary; Hereditary neoplastic syndrome; Hereditary Cancer Syndrome. Identifiers: Orphanet 140162, MedGen C0027672, MeSH D009386, MONDO:0015356.

Submission:

Ambry Genetics
Classification: Uncertain significance for Hereditary cancer-predisposing syndrome. Last evaluated: 2025-06-23. Review status: criteria provided, single submitter. Criteria: Ambry Variant Classification Scheme 2023. Collection method: clinical testing. Allele origin: germline.
Comment: The p.E192Q variant (also known as c.574G>C), located in coding exon 3 of the MSH6 gene, results from a G to C substitution at nucleotide position 574. The glutamic acid at codon 192 is replaced by glutamine, an amino acid with highly similar properties. This amino acid position is conserved. In addition, this alteration is predicted to be tolerated by in silico analysis. Based on the available evidence, the clinical significance of this variant remains unclear.

NM_000179.3(MSH6):c.574G>C (p.Glu192Gln)

Gene: MSH6 (mutS homolog 6; plus strand). Cytogenetic location: 2p16.3.
Variant type: single nucleotide variant.
Coding change: c.574G>C on transcript NM_000179.3 (MANE Select); coding-DNA position 574, G replaced by C.
Protein change: p.Glu192Gln; replaces glutamic acid 192 with glutamine.
Molecular consequence: missense variant. On other transcripts: 5 prime UTR variant (2), non-coding transcript variant (5), intron variant (8).
Genome position (GRCh38, 1-based): chr2:47,796,010, G>C. VCF-style: chr2-47796010-G-C. GRCh37 (hg19) VCF-style: chr2-48023149-G-C.
Other names: c.-329G>C (NM_001281494.2); c.670G>C, p.Glu224Gln (NM_001406795.1, NM_001406802.1); c.574G>C, p.Glu192Gln (NM_001406796.1, NM_001406798.1, NM_001406800.1 and 5 more transcripts); c.277G>C, p.Glu93Gln (NM_001406797.1, NM_001406801.1, NM_001406805.1 and 10 more transcripts); c.49G>C, p.Glu17Gln (NM_001406799.1, NM_001406806.1, NM_001406807.1); c.496G>C, p.Glu166Gln (NM_001406804.1); c.580G>C, p.Glu194Gln (NM_001406813.1); c.-421G>C (NM_001406814.1); and 3 more; short protein forms E136Q, E17Q, E166Q, E192Q, E194Q, E93Q, E224Q.
Identifiers: ClinVar variation 4111197 (VCV004111197.1).
Genomic context (GRCh38, chr2:47,796,010, plus strand): 5'-ATACTGAGAGCAATGCAACGTGCAGATGAAGCCTTAAATAAAGACAAGATTAAGAGGCTT[G>C]AATTGGCAGTTTGTGATGAGCCCTCAGAGCCAGAAGAGGAAGAAGAGATGGAGGTGGGAC-3'
Protein context (NP_000170.1, residues 182-202): ALNKDKIKRL[Glu192Gln]LAVCDEPSEP